The following is an entry in ClinVar:

ClinVar aggregate classification (germline): Likely pathogenic (1 of 4 stars; one submission).

Submission:

Labcorp Genetics (formerly Invitae), Labcorp
Classification: Likely pathogenic. Last evaluated: 2025-10-01. Review status: criteria provided, single submitter. Criteria: Invitae Variant Classification Sherloc (09022015). Collection method: clinical testing. Allele origin: germline.
Comment: This sequence change affects an acceptor splice site in intron 15 of the FGD1 gene. It is expected to disrupt RNA splicing. Variants that disrupt the donor or acceptor splice site typically lead to a loss of protein function (PMID: 16199547), and loss-of-function variants in FGD1 are known to be pathogenic (PMID: 21739585, 23211637, 25046119, 26029706). This variant is not present in population databases (gnomAD no frequency). This variant has not been reported in the literature in individuals affected with FGD1-related conditions. ClinVar contains an entry for this variant (Variation ID: 2809717). Algorithms developed to predict the effect of sequence changes on RNA splicing suggest that this variant may disrupt the consensus splice site. In summary, the currently available evidence indicates that the variant is pathogenic, but additional data are needed to prove that conclusively. Therefore, this variant has been classified as Likely Pathogenic.

Literature cited by the submitters: PubMed 16199547; PubMed 21739585; PubMed 23211637; PubMed 25046119; PubMed 26029706.

NM_004463.3(FGD1):c.2275-1G>A

Gene: FGD1 (FYVE, RhoGEF and PH domain containing 1; minus strand). Cytogenetic location: Xp11.22.
Variant type: single nucleotide variant.
Coding change: c.2275-1G>A on transcript NM_004463.3 (MANE Select); the canonical splice acceptor site of the intron before coding-DNA position 2275, G replaced by A.
Molecular consequence: splice acceptor variant.
Genome position (GRCh38, 1-based): chrX:54,448,968, C>T on the plus strand (G>A on the coding strand, the complement: FGD1 is on the minus strand). VCF-style: chrX-54448968-C-T. GRCh37 (hg19) VCF-style: chrX-54475401-C-T.
Identifiers: ClinVar variation 2809717 (VCV002809717.3), dbSNP rs2522691621, ClinGen allele CA413359072.